The following is an entry in ClinVar:

ClinVar aggregate classification (germline): Pathogenic. Review status: criteria provided, multiple submitters, no conflicts (2 of 4 stars). 2 submissions from 2 submitters: Pathogenic (2). Last evaluated 2024-05-14.

Conditions:
RPE65-related recessive retinopathy. Also called: Recessive RPE65 retinopathy. Identifiers: MedGen CN305526, MONDO:0100368.
Retinitis pigmentosa 20 (RP20). Identifiers: Orphanet 791, MedGen C3151086, MONDO:0013425, OMIM 613794.
Leber congenital amaurosis 2 (LCA2). Also called: AMAUROSIS CONGENITA OF LEBER II; Autosomal Recessive RPE65-Related Retinal Degeneration. Identifiers: Orphanet 65, MedGen C1859844, MONDO:0008765, OMIM 204100. Disease mechanism: loss of function.

Submissions (2):

Myriad Genetics, Inc.
Classification: Pathogenic for RPE65-related recessive retinopathy. Last evaluated: 2024-05-14. Review status: criteria provided, single submitter. Criteria: Myriad Autosomal Dominant, Autosomal Recessive and X-Linked Classification Criteria (2023). Collection method: clinical testing. Allele origin: unknown.
Comment: NM_000329.2(RPE65):c.1216_1226dup11(F409Lfs*35) is expected to be pathogenic in the context of inherited retinal dystrophy, RPE65-related. This variant is predicted to lead to an abnormal or absent protein product due to the creation of a premature termination codon in RPE65, a gene where loss-of-function variants are known to be pathogenic. Please note: this variant was assessed in the context of healthy population screening.

Labcorp Genetics (formerly Invitae), Labcorp
Classification: Pathogenic for Leber congenital amaurosis 2; Retinitis pigmentosa 20. Last evaluated: 2024-03-05. Review status: criteria provided, single submitter. Criteria: Invitae Variant Classification Sherloc (09022015). Collection method: clinical testing. Allele origin: germline.
Comment: This sequence change creates a premature translational stop signal (p.Phe409Leufs*35) in the RPE65 gene. It is expected to result in an absent or disrupted protein product. Loss-of-function variants in RPE65 are known to be pathogenic (PMID: 9326941, 9501220, 9843205, 18632300). This variant is not present in population databases (gnomAD no frequency). This variant has not been reported in the literature in individuals affected with RPE65-related conditions. For these reasons, this variant has been classified as Pathogenic.

Literature cited by the submitters: PubMed 9326941 (cited by Labcorp Genetics (formerly Invitae), Labcorp); PubMed 9501220 (cited by Labcorp Genetics (formerly Invitae), Labcorp); PubMed 9843205 (cited by Labcorp Genetics (formerly Invitae), Labcorp); PubMed 18632300 (cited by Labcorp Genetics (formerly Invitae), Labcorp).

NM_000329.3(RPE65):c.1216_1226dup (p.Phe409fs)

Gene: RPE65 (retinoid isomerohydrolase RPE65; minus strand). Cytogenetic location: 1p31.3.
Variant type: Duplication.
Coding change: c.1216_1226dup on transcript NM_000329.3 (MANE Select); coding-DNA positions 1216 to 1226, 11 bases duplicated (GAAGTTCTCTT).
Protein change: p.Phe409fs; shifts the reading frame from phenylalanine 409.
Molecular consequence: frameshift variant.
Genome position (GRCh38, 1-based): chr1:68,431,488-68,431,498, AAGAGAACTTC duplicated on the plus strand (GAAGTTCTCTT on the coding strand, the reverse complement: RPE65 is on the minus strand); duplicating any 11 consecutive bases within chr1:68,431,488-68,431,499 gives the same sequence; the c. name uses the placement nearest the transcript's 3' end. VCF-style (leftmost placement, unchanged base first): chr1-68431487-A-AAAGAGAACTTC. GRCh37 (hg19) VCF-style: chr1-68897170-A-AAAGAGAACTTC.
Other names: c.1108_1118dup, p.Phe373fs (NM_001406853.1); c.940_950dup, p.Phe317fs (NM_001406856.1, NM_001406857.1); short protein forms F317fs, F373fs, F409fs.
Identifiers: ClinVar variation 3763741 (VCV003763741.3).